The following is an entry in ClinVar:

NM_001481.3(DRC4):c.809C>T (p.Ala270Val)

Gene: DRC4 (dynein regulatory complex subunit 4; plus strand). Cytogenetic location: 16q24.3.
Variant type: single nucleotide variant.
Coding change: c.809C>T on transcript NM_001481.3 (MANE Select); coding-DNA position 809, C replaced by T.
Protein change: p.Ala270Val; replaces alanine 270 with valine.
Molecular consequence: missense variant.
Genome position (GRCh38, 1-based): chr16:90,037,284, C>T. VCF-style: chr16-90037284-C-T. GRCh37 (hg19) VCF-style: chr16-90103692-C-T.
Other names: c.560C>T, p.Ala187Val (NM_001286205.2); c.233C>T, p.Ala78Val (NM_001286208.2); c.734C>T, p.Ala245Val (NM_001286209.2); short protein forms A187V, A245V, A78V, A270V.
Identifiers: ClinVar variation 2075739 (VCV002075739.3), dbSNP rs751488608, ClinGen allele CA8257989.

ClinVar aggregate classification (germline): Uncertain significance (1 of 4 stars; one submission).

Conditions:
Primary ciliary dyskinesia 33. Also called: CILIARY DYSKINESIA, PRIMARY, 33, WITHOUT SITUS INVERSUS. Identifiers: Orphanet 244, MedGen C4225230, MONDO:0014750, OMIM 616726.

Allele frequency attached by ClinVar (database versions not stated): gnomAD 0.00004; gnomAD exomes 0.00006; ExAC 0.00011.
gnomAD v4.1: 95 of 1,613,828 alleles (0.0059%); highest among the groups gnomAD compares: South Asian, 0.097%; no homozygotes.

Submission:

Labcorp Genetics (formerly Invitae), Labcorp
Classification: Uncertain significance for Primary ciliary dyskinesia 33. Last evaluated: 2022-07-08. Review status: criteria provided, single submitter. Criteria: Invitae Variant Classification Sherloc (09022015). Collection method: clinical testing. Allele origin: germline.
Comment: Algorithms developed to predict the effect of missense changes on protein structure and function (SIFT, PolyPhen-2, Align-GVGD) all suggest that this variant is likely to be tolerated. This sequence change replaces alanine, which is neutral and non-polar, with valine, which is neutral and non-polar, at codon 270 of the GAS8 protein (p.Ala270Val). This variant is present in population databases (rs751488608, gnomAD 0.08%). This variant has not been reported in the literature in individuals affected with GAS8-related conditions. In summary, the available evidence is currently insufficient to determine the role of this variant in disease. Therefore, it has been classified as a Variant of Uncertain Significance.